The following is an entry in ClinVar:

NM_001042492.3(NF1):c.1469A>T (p.Lys490Met)

Gene: NF1 (neurofibromin 1; plus strand). Cytogenetic location: 17q11.2.
Variant type: single nucleotide variant.
Coding change: c.1469A>T on transcript NM_001042492.3 (MANE Select); coding-DNA position 1469, A replaced by T.
Protein change: p.Lys490Met; replaces lysine 490 with methionine.
Molecular consequence: missense variant.
Genome position (GRCh38, 1-based): chr17:31,214,527, A>T. VCF-style: chr17-31214527-A-T. GRCh37 (hg19) VCF-style: chr17-29541545-A-T.
Other names: c.1469A>T, p.Lys490Met (NM_001128147.3, NM_000267.4); short protein forms K490M.
Identifiers: ClinVar variation 2841800 (VCV002841800.4), dbSNP rs1060500260, ClinGen allele CA399001581.
Genomic context (GRCh38, chr17:31,214,527, plus strand): 5'-AAAAAGTAACAAGCCTTAAATTTAAAGAAAAACCTACAGACCTGGAGACAAGAAGCTATA[A>T]GTATCTTCTCTTGTCCATGGTGAAACTAATTCATGCAGATCCAAAGCTCTTGCTTTGTGT-3'
Protein context (NP_001035957.1, residues 480-500): KPTDLETRSY[Lys490Met]YLLLSMVKLI

ClinVar aggregate classification (germline): Uncertain significance. Review status: criteria provided, multiple submitters, no conflicts (2 of 4 stars). 2 submissions from 2 submitters: Uncertain significance (2). Last evaluated 2024-10-15.

Conditions:
Hereditary cancer-predisposing syndrome. Also called: Hereditary Cancer Syndrome; Hereditary neoplastic syndrome; Neoplastic Syndromes, Hereditary; Tumor predisposition. Identifiers: Orphanet 140162, MedGen C0027672, MeSH D009386, MONDO:0015356.
Cardiovascular phenotype. Identifiers: MedGen CN230736.
Neurofibromatosis, type 1 (NF1). Also called: Neurofibromatosis, type I; VON RECKLINGHAUSEN DISEASE; NEUROFIBROMATOSIS, TYPE I, SOMATIC; Peripheral type neurofibromatosis. Identifiers: Orphanet 636, MedGen C0027831, MONDO:0018975, OMIM 162200. Disease mechanism: loss of function.

Submissions (2):

Labcorp Genetics (formerly Invitae), Labcorp
Classification: Uncertain significance for Neurofibromatosis, type 1. Last evaluated: 2024-10-15. Review status: criteria provided, single submitter. Criteria: Invitae Variant Classification Sherloc (09022015). Collection method: clinical testing. Allele origin: germline.
Comment: This sequence change replaces lysine, which is basic and polar, with methionine, which is neutral and non-polar, at codon 490 of the NF1 protein (p.Lys490Met). This variant is not present in population databases (gnomAD no frequency). This variant has not been reported in the literature in individuals affected with NF1-related conditions. Invitae Evidence Modeling of protein sequence and biophysical properties (such as structural, functional, and spatial information, amino acid conservation, physicochemical variation, residue mobility, and thermodynamic stability) indicates that this missense variant is expected to disrupt NF1 protein function with a positive predictive value of 95%. In summary, the available evidence is currently insufficient to determine the role of this variant in disease. Therefore, it has been classified as a Variant of Uncertain Significance.

Ambry Genetics
Classification: Uncertain significance for Cardiovascular phenotype; Hereditary cancer-predisposing syndrome. Last evaluated: 2023-12-25. Review status: criteria provided, single submitter. Criteria: Ambry Variant Classification Scheme 2023. Collection method: clinical testing. Allele origin: germline.
Comment: The p.K490M variant (also known as c.1469A>T), located in coding exon 13 of the NF1 gene, results from an A to T substitution at nucleotide position 1469. The lysine at codon 490 is replaced by methionine, an amino acid with similar properties. This amino acid position is conserved. In addition, the in silico prediction for this alteration is inconclusive. Since supporting evidence is limited at this time, the clinical significance of this alteration remains unclear.